The following is an entry in ClinVar:

NM_138348.6(OTULIN):c.299C>G (p.Thr100Arg)

Gene: OTULIN (OTU deubiquitinase with linear linkage specificity; plus strand). Cytogenetic location: 5p15.2.
Variant type: single nucleotide variant.
Coding change: c.299C>G on transcript NM_138348.6 (MANE Select); coding-DNA position 299, C replaced by G.
Protein change: p.Thr100Arg; replaces threonine 100 with arginine.
Molecular consequence: missense variant.
Genome position (GRCh38, 1-based): chr5:14,678,750, C>G. VCF-style: chr5-14678750-C-G. GRCh37 (hg19) VCF-style: chr5-14678859-C-G.
Other names: short protein forms T100R.
Identifiers: ClinVar variation 4762808 (VCV004762808.1).

ClinVar aggregate classification (germline): Uncertain significance (1 of 4 stars; one submission).

Submission:

Labcorp Genetics (formerly Invitae), Labcorp
Classification: Uncertain significance. Last evaluated: 2025-11-23. Review status: criteria provided, single submitter. Criteria: Invitae Variant Classification Sherloc (09022015). Collection method: clinical testing. Allele origin: germline.
Comment: This sequence change replaces threonine, which is neutral and polar, with arginine, which is basic and polar, at codon 100 of the OTULIN protein (p.Thr100Arg). This variant is not present in population databases (gnomAD no frequency). This variant has not been reported in the literature in individuals affected with OTULIN-related conditions. Invitae Evidence Modeling of protein sequence and biophysical properties (such as structural, functional, and spatial information, amino acid conservation, physicochemical variation, residue mobility, and thermodynamic stability) indicates that this missense variant is not expected to disrupt OTULIN protein function with a negative predictive value of 80%. In summary, the available evidence is currently insufficient to determine the role of this variant in disease. Therefore, it has been classified as a Variant of Uncertain Significance.